The following is an entry in ClinVar:

NM_058004.4(PI4KA):c.4944C>T (p.Asp1648=)

Gene: PI4KA (phosphatidylinositol 4-kinase alpha; minus strand). Cytogenetic location: 22q11.21.
Variant type: single nucleotide variant.
Coding change: c.4944C>T on transcript NM_058004.4 (MANE Select); coding-DNA position 4944, C replaced by T.
Protein change: p.Asp1648=; no amino-acid change (aspartic acid 1648 retained).
Molecular consequence: synonymous variant.
Genome position (GRCh38, 1-based): chr22:20,726,539, G>A on the plus strand (C>T on the coding strand, the complement: PI4KA is on the minus strand). VCF-style: chr22-20726539-G-A. GRCh37 (hg19) VCF-style: chr22-21080827-G-A.
Other names: c.4851C>T, p.Asp1617= (NM_001362862.2); c.4878C>T, p.Asp1626= (NM_001362863.2).
Identifiers: ClinVar variation 2652909 (VCV002652909.24), dbSNP rs765200092, ClinGen allele CA10114894.
Genomic context (GRCh38, chr22:20,726,539, plus strand): 5'-CAGGCTTACCTTGTCGTACCTGAGGGCCTGCACAATCTGGGGGATGTAGAAGAGGATGGC[G>A]TCCTGTGGAGGTGGAGCAGAGTTGGCCATGACTTCTGAGAGCAGAGCCACCCAACCCTAC-3'
Protein context (NP_477352.3, residues 1638-1658): GVKVLRSFPP[Asp1648=]AILFYIPQIV

ClinVar aggregate classification (germline): Likely benign (1 of 4 stars; one submission).

Allele frequency attached by ClinVar (database versions not stated): gnomAD exomes 0.00001; TOPMed 0.00001; gnomAD 0.00003.
gnomAD v4.1: 25 of 1,585,616 alleles (0.0016%); highest among the groups gnomAD compares: East Asian, 0.0024%; no homozygotes.

Submission:

CeGaT Center for Human Genetics Tuebingen
Classification: Likely benign. Last evaluated: 2022-07-01. Review status: criteria provided, single submitter. Criteria: CeGaT Center For Human Genetics Tuebingen Variant Classification Criteria Version 2. Collection method: clinical testing. Allele origin: germline. Affected: yes. Observed: 1 variant allele.
Comment: PI4KA: BP4, BP7